The following is an entry in ClinVar:

NM_000632.4(ITGAM):c.1928T>C (p.Val643Ala)

Gene: ITGAM (integrin subunit alpha M; plus strand). Cytogenetic location: 16p11.2.
Variant type: single nucleotide variant.
Coding change: c.1928T>C on transcript NM_000632.4 (MANE Select); coding-DNA position 1928, T replaced by C.
Protein change: p.Val643Ala; replaces valine 643 with alanine.
Molecular consequence: missense variant.
Genome position (GRCh38, 1-based): chr16:31,321,553, T>C. VCF-style: chr16-31321553-T-C. GRCh37 (hg19) VCF-style: chr16-31332874-T-C.
Other names: c.1931T>C, p.Val644Ala (NM_001145808.2); short protein forms V644A, V643A.
Identifiers: ClinVar variation 2983959 (VCV002983959.3), dbSNP rs767081268, ClinGen allele CA8025686.
Genomic context (GRCh38, chr16:31,321,553, plus strand): 5'-TCATGGAGTTCAATCCCAGGGAAGTGGCAAGGAATGTATTTGAGTGTAATGATCAGGTGG[T>C]GAAAGGCAAGGAAGCCGGAGAGGTCAGAGTCTGCCTCCATGTCCAGAAGAGCACACGGGA-3'
Protein context (NP_000623.2, residues 633-653): RNVFECNDQV[Val643Ala]KGKEAGEVRV

ClinVar aggregate classification (germline): Uncertain significance (1 of 4 stars; one submission).

Allele frequency attached by ClinVar (database versions not stated): gnomAD 0.00001; ExAC 0.00002; gnomAD exomes 0.00003.
gnomAD v4.1: 38 of 1,613,712 alleles (0.0024%); highest among the groups gnomAD compares: South Asian, 0.012%; no homozygotes.

Submission:

Labcorp Genetics (formerly Invitae), Labcorp
Classification: Uncertain significance. Last evaluated: 2024-02-04. Review status: criteria provided, single submitter. Criteria: Invitae Variant Classification Sherloc (09022015). Collection method: clinical testing. Allele origin: germline.
Comment: This sequence change replaces valine, which is neutral and non-polar, with alanine, which is neutral and non-polar, at codon 643 of the ITGAM protein (p.Val643Ala). This variant is present in population databases (rs767081268, gnomAD 0.01%). This variant has not been reported in the literature in individuals affected with ITGAM-related conditions. Algorithms developed to predict the effect of missense changes on protein structure and function output the following: SIFT: "Not Available"; PolyPhen-2: "Benign"; Align-GVGD: "Not Available". The alanine amino acid residue is found in multiple mammalian species, which suggests that this missense change does not adversely affect protein function. In summary, the available evidence is currently insufficient to determine the role of this variant in disease. Therefore, it has been classified as a Variant of Uncertain Significance.